The following is an entry in ClinVar:

ClinVar aggregate classification (germline): Uncertain significance (1 of 4 stars; one submission).

Conditions:
Developmental and epileptic encephalopathy, 44 (DEE44). Also called: Epileptic encephalopathy, early infantile, 44. Identifiers: MedGen C4310700, MONDO:0014933, OMIM 617132.

Submission:

Victorian Clinical Genetics Services, Murdoch Childrens Research Institute
Classification: Uncertain significance for Developmental and epileptic encephalopathy, 44. Last evaluated: 2024-10-09. Review status: criteria provided, single submitter. Criteria: ACMG Guidelines, 2015. Collection method: clinical testing. Allele origin: germline. Inheritance: Autosomal recessive inheritance. Affected: yes.
Comment: Based on the classification scheme VCGS_Germline_v1.3.4, this variant is classified as VUS-3A. Following criteria are met: 0102 - Loss of function is a known mechanism of disease in this gene and is associated with developmental and epileptic encephalopathy 44 (MIM#617132) and spinocerebellar ataxia, autosomal recessive 24 (MIM#617133). (I) 0106 - This gene is associated with autosomal recessive disease. (I) 0200 - Variant is predicted to result in a missense amino acid change from cysteine to arginine. (I) 0251 - This variant is heterozygous. (I) 0301 - Variant is absent from gnomAD (both v2 and v3). (SP) 0501 - Missense variant consistently predicted to be damaging by multiple in silico tools or highly conserved with a major amino acid change. (SP) 0600 - Variant is located in the annotated ThiF domain and affects a cysteine binding site (DECIPHER). (I) 0705 - No comparable missense variants have previous evidence for pathogenicity. (I) 0807 - This variant has no previous evidence of pathogenicity. (I) 0905 - No published segregation evidence has been identified for this variant. (I) 1007 - No published functional evidence has been identified for this variant. (I) 1208 - Inheritance information for this variant is not currently available in this individual. (I) Legend: (SP) - Supporting pathogenic, (I) - Information, (SB) - Supporting benign

NM_024818.6(UBA5):c.676T>C (p.Cys226Arg)

Genes: NPHP3-ACAD11 (NPHP3-ACAD11 readthrough (NMD candidate); minus strand), UBA5 (ubiquitin like modifier activating enzyme 5; plus strand). Cytogenetic location: 3q22.1.
Variant type: single nucleotide variant.
Coding change: c.676T>C on transcript NM_024818.6 (MANE Select); coding-DNA position 676, T replaced by C.
Protein change: p.Cys226Arg; replaces cysteine 226 with arginine.
Molecular consequence: missense variant.
Genome position (GRCh38, 1-based): chr3:132,671,873, T>C. VCF-style: chr3-132671873-T-C. GRCh37 (hg19) VCF-style: chr3-132390717-T-C.
Other names: c.508T>C, p.Cys170Arg (NM_001320210.2, NM_198329.4); c.406T>C, p.Cys136Arg (NM_001321238.2); c.340T>C, p.Cys114Arg (NM_001321239.1); short protein forms C114R, C136R, C170R, C226R.
Identifiers: ClinVar variation 3377056 (VCV003377056.1).
Genomic context (GRCh38, chr3:132,671,873, plus strand): 5'-GGGGTCAGTGAAAATGCAGTTTCAGGGCATATACAGCTTATAATTCCTGGAGAATCTGCT[T>C]GTTTTGCGGTATGCATTATTCTTTTTGGAATATTCTTCACTGTTAGATACTTGAGTTCTT-3'
Protein context (NP_079094.1, residues 216-236): IQLIIPGESA[Cys226Arg]FACAPPLVVA